The following is an entry in ClinVar:

ClinVar aggregate classification (germline): Benign. Review status: criteria provided, multiple submitters, no conflicts (2 of 4 stars). 2 submissions from 2 submitters: Benign (2). Last evaluated 2018-01-13.

Conditions:
Alzheimer disease. Also called: Presenile and senile dementia; Alzheimer's disease. Identifiers: Orphanet 1020, MedGen C0002395, MeSH D000544, MONDO:0004975, HP:0002511.

Allele frequency attached by ClinVar (database versions not stated): TOPMed 0.00005; gnomAD 0.00010; 1000 Genomes Project 30x 0.00718; 1000 Genomes Project 0.00819.

Submissions (2):

Illumina Laboratory Services, Illumina
Classification: Benign for Alzheimer disease type 1. Last evaluated: 2018-01-13. Review status: criteria provided, single submitter. Criteria: ICSL Variant Classification Criteria 13 December 2019. Collection method: clinical testing. Allele origin: germline.
Comment: This variant was observed in the ICSL laboratory as part of a predisposition screen in an ostensibly healthy population. It had not been previously curated by ICSL or reported in the Human Gene Mutation Database (HGMD: prior to June 1st, 2018), and was therefore a candidate for classification through an automated scoring system. Utilizing variant allele frequency, disease prevalence and penetrance estimates, and inheritance mode, an automated score was calculated to assess if this variant is too frequent to cause the disease. Based on the score and internal cut-off values, a variant classified as benign is not then subjected to further curation. The score for this variant resulted in a classification of benign for this disease.

Breakthrough Genomics
Classification: Benign. Review status: criteria provided, single submitter. Criteria: ACMG Guidelines, 2015. Collection method: not provided. Allele origin: germline. Inheritance: Autosomal dominant inheritance. Affected: yes.

NM_000484.4(APP):c.*913C>G

Gene: APP (amyloid beta precursor protein; minus strand). Cytogenetic location: 21q21.3.
Variant type: single nucleotide variant.
Coding change: c.*913C>G on transcript NM_000484.4 (MANE Select); 913 bases downstream of the stop codon, C replaced by G.
Molecular consequence: 3 prime UTR variant.
Genome position (GRCh38, 1-based): chr21:25,880,757, G>C on the plus strand (C>G on the coding strand, the complement: APP is on the minus strand). VCF-style: chr21-25880757-G-C. GRCh37 (hg19) VCF-style: chr21-27253068-G-C.
Other names: c.*913C>G (NM_001136016.3, NM_001136129.3, NM_001136130.3 and 7 more transcripts).
Identifiers: ClinVar variation 339622 (VCV000339622.6), dbSNP rs202081585, ClinGen allele CA10652858.